The following is an entry in ClinVar:

ClinVar aggregate classification (germline): Likely benign. Review status: criteria provided, multiple submitters, no conflicts (2 of 4 stars). 5 submissions from 5 submitters: Likely benign (5). Last evaluated 2026-04-27.

Conditions:
Focal segmental glomerulosclerosis 5 (FSGS5). Identifiers: Orphanet 656, MedGen C2750475, MONDO:0013191, OMIM 613237.
Charcot-Marie-Tooth disease dominant intermediate E. Also called: CHARCOT-MARIE-TOOTH NEUROPATHY WITH FOCAL SEGMENTAL GLOMERULONEPHRITIS. Identifiers: Orphanet 93114, MedGen C4302667, MONDO:0013758, OMIM 614455.

Allele frequency attached by ClinVar (database versions not stated): gnomAD exomes 0.00003 and 0.00004; gnomAD 0.00004; TOPMed 0.00004; ExAC 0.00005.
gnomAD v4.1: 68 of 1,611,962 alleles (0.0042%); highest among the groups gnomAD compares: Middle Eastern, 0.066%; no homozygotes.

Submissions (5):

Women's Health and Genetics/Laboratory Corporation of America, LabCorp
Classification: Likely benign. Last evaluated: 2026-04-27. Review status: criteria provided, single submitter. Criteria: LabCorp Variant Classification Summary - May 2015. Collection method: clinical testing. Allele origin: germline.

Labcorp Genetics (formerly Invitae), Labcorp
Classification: Likely benign for Charcot-Marie-Tooth disease dominant intermediate E; Focal segmental glomerulosclerosis 5. Last evaluated: 2025-07-14. Review status: criteria provided, single submitter. Criteria: Invitae Variant Classification Sherloc (09022015). Collection method: clinical testing. Allele origin: germline.

Mayo Clinic Laboratories, Mayo Clinic
Classification: Likely benign. Last evaluated: 2025-03-04. Review status: criteria provided, single submitter. Criteria: ACMG Guidelines, 2015. Collection method: clinical testing. Allele origin: germline. Observed: 1 variant allele.
Comment: BP4, BP7

Fulgent Genetics
Classification: Likely benign for Focal segmental glomerulosclerosis 5; Charcot-Marie-Tooth disease dominant intermediate E. Last evaluated: 2021-12-03. Review status: criteria provided, single submitter. Criteria: ACMG Guidelines, 2015. Collection method: clinical testing. Allele origin: unknown.

GeneDx
Classification: Likely benign. Last evaluated: 2016-02-26. Review status: criteria provided, single submitter. Criteria: GeneDx Variant Classification (06012015). Collection method: clinical testing. Allele origin: germline. Affected: yes.
Comment: This variant is considered likely benign or benign based on one or more of the following criteria: it is a conservative change, it occurs at a poorly conserved position in the protein, it is predicted to be benign by multiple in silico algorithms, and/or has population frequency not consistent with disease.

NM_022489.4(INF2):c.2240-5T>C

Gene: INF2 (inverted formin 2; plus strand). Cytogenetic location: 14q32.33.
Variant type: single nucleotide variant.
Coding change: c.2240-5T>C on transcript NM_022489.4 (MANE Select); 5 bases into the intron before coding-DNA position 2240, T replaced by C.
Molecular consequence: intron variant.
Genome position (GRCh38, 1-based): chr14:104,710,932, T>C. VCF-style: chr14-104710932-T-C. GRCh37 (hg19) VCF-style: chr14-105177269-T-C.
Other names: p.?; c.2240-5T>C (NM_001031714.4).
Identifiers: ClinVar variation 383882 (VCV000383882.11), dbSNP rs765264633, ClinGen allele CA7372875.